The following is an entry in ClinVar:

ClinVar aggregate classification (germline): Benign. Review status: criteria provided, multiple submitters, no conflicts (2 of 4 stars). 2 submissions from 2 submitters: Benign (2). Last evaluated 2018-06-14.

Allele frequency attached by ClinVar (database versions not stated): TOPMed 0.38041; gnomAD 0.38149 and 0.38645; 1000 Genomes Project 30x 0.40131; 1000 Genomes Project 0.40355.

Submissions (2):

GeneDx
Classification: Benign. Last evaluated: 2018-06-14. Review status: criteria provided, single submitter. Criteria: GeneDx Variant Classification (06012015). Collection method: clinical testing. Allele origin: germline. Affected: yes.
Comment: This variant is considered likely benign or benign based on one or more of the following criteria: it is a conservative change, it occurs at a poorly conserved position in the protein, it is predicted to be benign by multiple in silico algorithms, and/or has population frequency not consistent with disease.

Breakthrough Genomics
Classification: Benign. Review status: criteria provided, single submitter. Criteria: ACMG Guidelines, 2015. Collection method: not provided. Allele origin: germline. Inheritance: Autosomal dominant inheritance. Affected: yes.

NM_003289.3(TPM2):c.-288T>C

Gene: TPM2 (tropomyosin 2; minus strand). Cytogenetic location: 9p13.3.
Variant type: single nucleotide variant.
Coding change: c.-288T>C on transcript NM_003289.3; 288 bases upstream of the start codon, T replaced by C.
Genome position (GRCh38, 1-based): chr9:35,690,105, A>G on the plus strand (T>C on the coding strand, the complement: TPM2 is on the minus strand). VCF-style: chr9-35690105-A-G. GRCh37 (hg19) VCF-style: chr9-35690102-A-G.
Identifiers: ClinVar variation 679869 (VCV000679869.4), dbSNP rs1056747, ClinGen allele CA13049129.